The following is an entry in ClinVar:

NM_057175.5(NAA15):c.775G>C (p.Ala259Pro)

Gene: NAA15 (N-alpha-acetyltransferase 15, NatA auxiliary subunit; plus strand). Cytogenetic location: 4q31.1.
Variant type: single nucleotide variant.
Coding change: c.775G>C on transcript NM_057175.5 (MANE Select); coding-DNA position 775, G replaced by C.
Protein change: p.Ala259Pro; replaces alanine 259 with proline.
Molecular consequence: missense variant.
Genome position (GRCh38, 1-based): chr4:139,349,545, G>C. VCF-style: chr4-139349545-G-C. GRCh37 (hg19) VCF-style: chr4-140270699-G-C.
Other names: c.775G>C, p.Ala259Pro (NM_001410842.1, NM_025085.2); short protein forms A259P.
Identifiers: ClinVar variation 3171261 (VCV003171261.2), dbSNP rs2530391735, ClinGen allele CA358261084.
Genomic context (GRCh38, chr4:139,349,545, plus strand): 5'-CGTTTGGAAGATGCTGCAGATGTTTATAGAGGATTGCAAGAGAGAAATCCTGAAAACTGG[G>C]CCTATTACAAAGGCTTGGAAAAAGCACTCAAGCCAGGTAGTATTGTTTAAAACTTACTAA-3'
Protein context (NP_476516.1, residues 249-269): GLQERNPENW[Ala259Pro]YYKGLEKALK

ClinVar aggregate classification (germline): Uncertain significance. Review status: criteria provided, single submitter (1 of 4 stars). 2 submissions from 2 submitters: Uncertain significance (1). 1 of the submissions does not count toward it. Last evaluated 2023-12-20.

Conditions:
Inborn genetic diseases. Identifiers: MedGen C0950123, MeSH D030342.
NAA15-related disorder.

Allele frequency attached by ClinVar (database versions not stated): gnomAD exomes below 0.00001.
gnomAD v4.1: 2 of 1,611,854 alleles (0.00012%); highest among the groups gnomAD compares: Non-Finnish European, 0.00017%; no homozygotes.

Submissions (2):

Ambry Genetics
Classification: Uncertain significance for Inborn genetic diseases. Last evaluated: 2023-12-20. Review status: criteria provided, single submitter. Criteria: Ambry Variant Classification Scheme 2023. Collection method: clinical testing. Allele origin: germline.

PreventionGenetics, part of Exact Sciences
Classification: Uncertain significance for NAA15-related condition. Last evaluated: 2024-06-28. Review status: no assertion criteria provided. Collection method: clinical testing. Allele origin: germline. Not counted in ClinVar's aggregate classification.
Comment: The NAA15 c.775G>C variant is predicted to result in the amino acid substitution p.Ala259Pro. To our knowledge, this variant has not been reported in the literature or in a large population database, indicating it is rare. At this time, the clinical significance of this variant is uncertain due to the absence of conclusive functional and genetic evidence.